The following is an entry in ClinVar:

ClinVar aggregate classification (germline): Uncertain significance (1 of 4 stars; one submission).

Conditions:
Aortic valve disease 2 (AOVD2). Identifiers: MedGen C3542024, MONDO:0013902, OMIM 614823.

Allele frequency attached by ClinVar (database versions not stated): ExAC 0.00001.
gnomAD v4.1: 2 of 1,599,874 alleles (0.00013%); highest among the groups gnomAD compares: South Asian, 0.0011%; no homozygotes.

Submission:

Labcorp Genetics (formerly Invitae), Labcorp
Classification: Uncertain significance for Aortic valve disease 2. Last evaluated: 2022-10-26. Review status: criteria provided, single submitter. Criteria: Invitae Variant Classification Sherloc (09022015). Collection method: clinical testing. Allele origin: germline.
Comment: In summary, the available evidence is currently insufficient to determine the role of this variant in disease. Therefore, it has been classified as a Variant of Uncertain Significance. Advanced modeling of protein sequence and biophysical properties (such as structural, functional, and spatial information, amino acid conservation, physicochemical variation, residue mobility, and thermodynamic stability) performed at Invitae indicates that this missense variant is not expected to disrupt SMAD6 protein function. This variant has not been reported in the literature in individuals affected with SMAD6-related conditions. This variant is present in population databases (rs778302338, gnomAD 0.001%). This sequence change replaces glutamic acid, which is acidic and polar, with glutamine, which is neutral and polar, at codon 442 of the SMAD6 protein (p.Glu442Gln).

NM_005585.5(SMAD6):c.1324G>C (p.Glu442Gln)

Gene: SMAD6 (SMAD family member 6; plus strand). Cytogenetic location: 15q22.31.
Variant type: single nucleotide variant.
Coding change: c.1324G>C on transcript NM_005585.5 (MANE Select); coding-DNA position 1324, G replaced by C.
Protein change: p.Glu442Gln; replaces glutamic acid 442 with glutamine.
Molecular consequence: missense variant. On other transcripts: non-coding transcript variant (1).
Genome position (GRCh38, 1-based): chr15:66,781,368, G>C. VCF-style: chr15-66781368-G-C. GRCh37 (hg19) VCF-style: chr15-67073706-G-C.
Other names: short protein forms E442Q.
Identifiers: ClinVar variation 2074776 (VCV002074776.4), dbSNP rs778302338, ClinGen allele CA7626785.